The following is an entry in ClinVar:

NM_020822.3(KCNT1):c.1862C>T (p.Thr621Ile)

Gene: KCNT1 (potassium sodium-activated channel subfamily T member 1; plus strand). Cytogenetic location: 9q34.3.
Variant type: single nucleotide variant.
Coding change: c.1862C>T on transcript NM_020822.3 (MANE Select); coding-DNA position 1862, C replaced by T.
Protein change: p.Thr621Ile; replaces threonine 621 with isoleucine.
Molecular consequence: missense variant.
Genome position (GRCh38, 1-based): chr9:135,770,949, C>T. VCF-style: chr9-135770949-C-T. GRCh37 (hg19) VCF-style: chr9-138662795-C-T.
Other names: c.1727C>T, p.Thr576Ile (NM_001272003.2); short protein forms T576I, T621I.
Identifiers: ClinVar variation 1339149 (VCV001339149.7), dbSNP rs151006970, ClinGen allele CA201473420.
Genomic context (GRCh38, chr9:135,770,949, plus strand): 5'-AGGACAACAAGAGCATCCTGCTGAACCCGGGGCCCCGGCACATCCTGGCCGCCTCTGACA[C>T]CTGCTTCTACATCAACATCACCAAGGAGGAGAACTCGGCCTTCATCTTCAAGCAGGAGGA-3'
Protein context (NP_065873.2, residues 611-631): GPRHILAASD[Thr621Ile]CFYINITKEE

ClinVar aggregate classification (germline): Uncertain significance. Review status: criteria provided, multiple submitters, no conflicts (2 of 4 stars). 2 submissions from 2 submitters: Uncertain significance (2). Last evaluated 2023-05-22.

Conditions:
Developmental and epileptic encephalopathy, 14 (DEE14). Also called: Early infantile epileptic encephalopathy 14. Identifiers: Orphanet 293181, MedGen C3554195, MONDO:0013989, OMIM 614959.
Autosomal dominant nocturnal frontal lobe epilepsy 5. Also called: Epilepsy, nocturnal frontal lobe, 5; CILIARY DYSKINESIA, PRIMARY, 28, WITHOUT SITUS INVERSUS; CILIARY DYSKINESIA, PRIMARY, 28, WITH SITUS INVERSUS; KCNT1-Related Epilepsy. Identifiers: Orphanet 98784, MedGen C3554306, MONDO:0014002, OMIM 615005.

Allele frequency attached by ClinVar (database versions not stated): gnomAD exomes below 0.00001; TOPMed 0.00001; ESP Exome Variant Server 0.00008.
gnomAD v4.1: 6 of 1,613,638 alleles (0.00037%); highest among the groups gnomAD compares: African/African-American, 0.0013%; no homozygotes.

Submissions (2):

Labcorp Genetics (formerly Invitae), Labcorp
Classification: Uncertain significance for Autosomal dominant nocturnal frontal lobe epilepsy 5; Developmental and epileptic encephalopathy, 14. Last evaluated: 2023-05-22. Review status: criteria provided, single submitter. Criteria: Invitae Variant Classification Sherloc (09022015). Collection method: clinical testing. Allele origin: germline.
Comment: The frequency data for this variant in the population databases is considered unreliable, as metrics indicate poor data quality at this position in the gnomAD database. This sequence change replaces threonine, which is neutral and polar, with isoleucine, which is neutral and non-polar, at codon 621 of the KCNT1 protein (p.Thr621Ile). This variant has not been reported in the literature in individuals affected with KCNT1-related conditions. In summary, the available evidence is currently insufficient to determine the role of this variant in disease. Therefore, it has been classified as a Variant of Uncertain Significance. Advanced modeling of protein sequence and biophysical properties (such as structural, functional, and spatial information, amino acid conservation, physicochemical variation, residue mobility, and thermodynamic stability) performed at Invitae indicates that this missense variant is not expected to disrupt KCNT1 protein function. ClinVar contains an entry for this variant (Variation ID: 1339149).

Neuberg Centre For Genomic Medicine, NCGM
Classification: Uncertain significance for Developmental and epileptic encephalopathy, 14. Review status: criteria provided, single submitter. Criteria: ACMG Guidelines, 2015. Collection method: clinical testing. Allele origin: germline. Affected: yes.
Comment: The missense variant p.T621I in KCNT1 (NM_020822.3) has not been reported previously as a pathogenic variant nor as a benign variant, to our knowledge. The p.T621I missense variant is predicted to be damaging by both SIFT and PolyPhen2. The threonine residue at codon 621 of KCNT1 is conserved in all mammalian species. The nucleotide c.1862 in KCNT1 is predicted conserved by GERP++ and PhyloP across 100 vertebrates. For these reasons, this variant has been classified as Uncertain Significance.